The following is an entry in ClinVar:

NM_000466.3(PEX1):c.3053A>G (p.Asn1018Ser)

Genes: GATAD1 (GATA zinc finger domain containing 1; plus strand), PEX1 (peroxisomal biogenesis factor 1; minus strand). Cytogenetic location: 7q21.2.
Variant type: single nucleotide variant.
Coding change: c.3053A>G on transcript NM_000466.3 (MANE Select); coding-DNA position 3053, A replaced by G.
Protein change: p.Asn1018Ser; replaces asparagine 1018 with serine.
Molecular consequence: missense variant.
Genome position (GRCh38, 1-based): chr7:92,493,107, T>C on the plus strand (A>G on the coding strand, the complement: PEX1 is on the minus strand). VCF-style: chr7-92493107-T-C. GRCh37 (hg19) VCF-style: chr7-92122421-T-C.
Other names: c.2882A>G, p.Asn961Ser (NM_001282677.2); c.2429A>G, p.Asn810Ser (NM_001282678.2); c.3053A>G (NM_000466.2); short protein forms N1018S, N810S, N961S.
Identifiers: ClinVar variation 2079575 (VCV002079575.2), dbSNP rs1337481084, ClinGen allele CA368166997.

ClinVar aggregate classification (germline): Uncertain significance. Review status: criteria provided, single submitter (1 of 4 stars). 2 submissions from 2 submitters: Uncertain significance (1). 1 of the submissions does not count toward it. Last evaluated 2022-06-12.

Conditions:
Zellweger spectrum disorders (ZS). Also called: Zellweger Spectrum Disorder; Zellweger Spectrum; Zellweger Spectrum Disorder (ZSD); Zellweger syndrome. Identifiers: Orphanet 912, MedGen C0043459, MONDO:0019609.

Allele frequency attached by ClinVar (database versions not stated): gnomAD exomes below 0.00001; TOPMed below 0.00001.
gnomAD v4.1: 2 of 1,606,382 alleles (0.00012%); highest among the groups gnomAD compares: East Asian, 0.0045%; no homozygotes.

Submissions (2):

Labcorp Genetics (formerly Invitae), Labcorp
Classification: Uncertain significance for Zellweger spectrum disorders. Last evaluated: 2022-06-12. Review status: criteria provided, single submitter. Criteria: Invitae Variant Classification Sherloc (09022015). Collection method: clinical testing. Allele origin: germline.
Comment: This sequence change replaces asparagine, which is neutral and polar, with serine, which is neutral and polar, at codon 1018 of the PEX1 protein (p.Asn1018Ser). This variant is present in population databases (no rsID available, gnomAD 0.006%). This variant has not been reported in the literature in individuals affected with PEX1-related conditions. Advanced modeling of protein sequence and biophysical properties (such as structural, functional, and spatial information, amino acid conservation, physicochemical variation, residue mobility, and thermodynamic stability) performed at Invitae indicates that this missense variant is not expected to disrupt PEX1 protein function. Algorithms developed to predict the effect of sequence changes on RNA splicing suggest that this variant may create or strengthen a splice site. In summary, the available evidence is currently insufficient to determine the role of this variant in disease. Therefore, it has been classified as a Variant of Uncertain Significance.

Natera, Inc.
Classification: Uncertain significance for Zellweger syndrome. Last evaluated: 2025-02-13. Review status: no assertion criteria provided. Collection method: clinical testing. Allele origin: germline. Not counted in ClinVar's aggregate classification.